The following is an entry in ClinVar:

ClinVar aggregate classification (germline): Uncertain significance. Review status: criteria provided, single submitter (1 of 4 stars). 2 submissions from 2 submitters: Uncertain significance (1). 1 of the submissions does not count toward it. Last evaluated 2023-04-26.

Conditions:
Idiopathic generalized epilepsy. Also called: EIG; Generalised epilepsy. Identifiers: MedGen C0270850, MONDO:0005579, OMIM 600669.
Hyperaldosteronism, familial, type IV (HALD4). Also called: FH IV; ALDOSTERONISM, PRIMARY, AND HYPERTENSION. Identifiers: Orphanet 642671, MedGen C4310756, MONDO:0014875, OMIM 617027.

Allele frequency attached by ClinVar (database versions not stated): gnomAD 0.00001; gnomAD exomes 0.00001; ExAC 0.00002; TOPMed 0.00002.
gnomAD v4.1: 22 of 1,613,040 alleles (0.0014%); highest among the groups gnomAD compares: South Asian, 0.0022%; no homozygotes.

Submissions (2):

Labcorp Genetics (formerly Invitae), Labcorp
Classification: Uncertain significance for Idiopathic generalized epilepsy; Hyperaldosteronism, familial, type IV. Last evaluated: 2023-04-26. Review status: criteria provided, single submitter. Criteria: Invitae Variant Classification Sherloc (09022015). Collection method: clinical testing. Allele origin: germline.
Comment: This sequence change replaces arginine, which is basic and polar, with glutamine, which is neutral and polar, at codon 1562 of the CACNA1H protein (p.Arg1562Gln). This variant is present in population databases (rs538666649, gnomAD 0.01%). This variant has not been reported in the literature in individuals affected with CACNA1H-related conditions. ClinVar contains an entry for this variant (Variation ID: 1356437). Advanced modeling of protein sequence and biophysical properties (such as structural, functional, and spatial information, amino acid conservation, physicochemical variation, residue mobility, and thermodynamic stability) performed at Invitae indicates that this missense variant is expected to disrupt CACNA1H protein function. In summary, the available evidence is currently insufficient to determine the role of this variant in disease. Therefore, it has been classified as a Variant of Uncertain Significance.

Clinical Genetics Laboratory, University Hospital Schleswig-Holstein
Classification: Uncertain significance for Hyperaldosteronism, familial, type IV. Last evaluated: 2024-05-15. Review status: no assertion criteria provided. Collection method: clinical testing. Allele origin: germline. Affected: yes. Not counted in ClinVar's aggregate classification.

NM_021098.3(CACNA1H):c.4685G>A (p.Arg1562Gln)

Gene: CACNA1H (calcium voltage-gated channel subunit alpha1 H; plus strand). Cytogenetic location: 16p13.3.
Variant type: single nucleotide variant.
Coding change: c.4685G>A on transcript NM_021098.3 (MANE Select); coding-DNA position 4685, G replaced by A.
Protein change: p.Arg1562Gln; replaces arginine 1562 with glutamine.
Molecular consequence: missense variant.
Genome position (GRCh38, 1-based): chr16:1,212,064, G>A. VCF-style: chr16-1212064-G-A. GRCh37 (hg19) VCF-style: chr16-1262064-G-A.
Other names: c.4685G>A, p.Arg1562Gln (NM_001005407.2); short protein forms R1562Q.
Identifiers: ClinVar variation 1356437 (VCV001356437.7), dbSNP rs538666649, ClinGen allele CA7801486.